The following is an entry in ClinVar:

ClinVar aggregate classification (germline): Conflicting classifications of pathogenicity. Review status: criteria provided, conflicting classifications (1 of 4 stars). 3 submissions from 3 submitters: Uncertain significance (1); Likely benign (2). Last evaluated 2025-01-15.

Conditions:
Hereditary breast ovarian cancer syndrome. Also called: Hereditary breast and ovarian cancer syndrome (HBOC); Hereditary breast and ovarian cancer syndrome; Breast and ovarian cancer; Hereditary breast and/or ovarian cancer syndrome; Hereditary breast and ovarian cancer; BRCA1- and BRCA2-Associated Hereditary Breast and Ovarian Cancer. Identifiers: Orphanet 145, MedGen C0677776, MeSH D061325, MONDO:0003582. Disease mechanism: loss of function.
Hereditary cancer-predisposing syndrome. Also called: Neoplastic Syndromes, Hereditary; Hereditary Cancer Syndrome; Hereditary neoplastic syndrome; Tumor predisposition. Identifiers: Orphanet 140162, MedGen C0027672, MeSH D009386, MONDO:0015356.

Submissions (3):

Ambry Genetics
Classification: Likely benign for Hereditary cancer-predisposing syndrome. Last evaluated: 2025-01-15. Review status: criteria provided, single submitter. Criteria: Ambry Variant Classification Scheme 2023. Collection method: clinical testing. Allele origin: germline.

University of Washington Department of Laboratory Medicine, University of Washington
Classification: Likely benign for Hereditary cancer-predisposing syndrome. Last evaluated: 2023-03-23. Review status: criteria provided, single submitter. Criteria: Dines et al. (Genet Med. 2020). Collection method: curation. Allele origin: germline.
Comment: Missense variant in a coldspot region where missense variants are very unlikely to be pathogenic (PMID:31911673).

BRCA2 exon 11 coldspot. Reclassification based on statistical prior probability.

Labcorp Genetics (formerly Invitae), Labcorp
Classification: Uncertain significance for Hereditary breast ovarian cancer syndrome. Last evaluated: 2017-05-10. Review status: criteria provided, single submitter. Criteria: Invitae Variant Classification Sherloc (09022015). Collection method: clinical testing. Allele origin: germline.
Comment: In summary, this variant is a novel missense change with uncertain impact on protein function. It has been classified as a Variant of Uncertain Significance. Algorithms developed to predict the effect of sequence changes on RNA splicing suggest that this variant may alter RNA splicing, but this prediction has not been confirmed by published transcriptional studies. This variant is not present in population databases (ExAC no frequency) and has not been reported in the literature in individuals with a BRCA2-related disease. Algorithms developed to predict the effect of missense changes on protein structure and function output the following: SIFT: "Tolerated"; PolyPhen-2: "Benign"; Align-GVGD: "Class C0". The aspartic acid amino acid residue is found in multiple mammalian species, suggesting that this missense change does not adversely affect protein function. These predictions have not been confirmed by published functional studies. This sequence change replaces tyrosine with aspartic acid at codon 930 of the BRCA2 protein (p.Tyr930Asp). The tyrosine residue is weakly conserved and there is a large physicochemical difference between tyrosine and aspartic acid.

NM_000059.4(BRCA2):c.2788T>G (p.Tyr930Asp)

Gene: BRCA2 (BRCA2 DNA repair associated; plus strand). Cytogenetic location: 13q13.1.
Variant type: single nucleotide variant.
Coding change: c.2788T>G on transcript NM_000059.4 (MANE Select); coding-DNA position 2788, T replaced by G.
Protein change: p.Tyr930Asp; replaces tyrosine 930 with aspartic acid.
Molecular consequence: missense variant.
Genome position (GRCh38, 1-based): chr13:32,337,143, T>G. VCF-style: chr13-32337143-T-G. GRCh37 (hg19) VCF-style: chr13-32911280-T-G.
Other names: short protein forms Y930D.
Identifiers: ClinVar variation 462276 (VCV000462276.11), dbSNP rs1168540941, ClinGen allele CA387773721.